The following is an entry in ClinVar:

ClinVar aggregate classification (germline): Likely benign. Review status: criteria provided, multiple submitters, no conflicts (2 of 4 stars). 2 submissions from 2 submitters: Likely benign (2). Last evaluated 2025-02-26.

Conditions:
Multiple endocrine neoplasia, type 2 (MEN2). Identifiers: Orphanet 653, MedGen C4048306, MONDO:0019003. Disease mechanism: gain of function.
Multiple endocrine neoplasia type 2A. Also called: MULTIPLE ENDOCRINE NEOPLASIA, TYPE IIA; PTC SYNDROME; SIPPLE SYNDROME; MEN 2A; MEN-2A syndrome; Pheochromocytoma and amyloid producing medullary thyroid carcinoma. Identifiers: Orphanet 247698, Orphanet 653, MedGen C0025268, MeSH D018813, MONDO:0008234, OMIM 171400.

Submissions (2):

Myriad Genetics, Inc.
Classification: Likely benign for Multiple endocrine neoplasia type 2A. Last evaluated: 2025-02-26. Review status: criteria provided, single submitter. Criteria: Myriad Autosomal Dominant, Autosomal Recessive and X-Linked Classification Criteria (2023). Collection method: clinical testing. Allele origin: unknown.
Comment: This variant is considered likely benign. This variant is intronic and is not expected to impact mRNA splicing.

Labcorp Genetics (formerly Invitae), Labcorp
Classification: Likely benign for Multiple endocrine neoplasia, type 2. Last evaluated: 2023-08-20. Review status: criteria provided, single submitter. Criteria: Invitae Variant Classification Sherloc (09022015). Collection method: clinical testing. Allele origin: germline.

NM_020975.6(RET):c.2136+10C>A

Gene: RET (ret proto-oncogene; plus strand). Cytogenetic location: 10q11.21.
Variant type: single nucleotide variant.
Coding change: c.2136+10C>A on transcript NM_020975.6 (MANE Select); 10 bases into the intron after coding-DNA position 2136, C replaced by A.
Molecular consequence: intron variant.
Genome position (GRCh38, 1-based): chr10:43,114,746, C>A. VCF-style: chr10-43114746-C-A. GRCh37 (hg19) VCF-style: chr10-43610194-C-A.
Other names: c.2136+10C>A (NM_020630.7, NM_001406743.1, NM_001406744.1 and 2 more transcripts); c.2001+10C>A (NM_001406765.1, NM_001406763.1); c.1740+10C>A (NM_001406772.1, NM_001406769.1); c.1698+10C>A (NM_001406773.1, NM_001406771.1); c.1239+10C>A (NM_001406782.1, NM_001406780.1, NM_001406779.1 and 1 more transcripts); c.1104+10C>A (NM_001406787.1); c.1119+10C>A (NM_001406785.1); c.2007+10C>A (NM_001406764.1, NM_001406762.1, NM_001406761.1); and 10 more.
Identifiers: ClinVar variation 1976128 (VCV001976128.6), dbSNP rs1564496593, ClinGen allele CA2580081498.